The following is an entry in ClinVar:

ClinVar aggregate classification (germline): Conflicting classifications of pathogenicity. Review status: criteria provided, conflicting classifications (1 of 4 stars). 12 submissions from 12 submitters: Uncertain significance (9); Likely benign (2). 1 of the submissions does not count toward it. Last evaluated 2026-08-06.

Conditions:
ATM-related disorder. Also called: ATM-related disorders; ATM-related condition.
Hereditary cancer-predisposing syndrome. Also called: Neoplastic Syndromes, Hereditary; Tumor predisposition; Hereditary Cancer Syndrome; Hereditary neoplastic syndrome. Identifiers: Orphanet 140162, MedGen C0027672, MeSH D009386, MONDO:0015356.
Hereditary breast ovarian cancer syndrome. Also called: Hereditary breast and ovarian cancer; Hereditary breast and ovarian cancer syndrome (HBOC); Breast and ovarian cancer; BRCA1- and BRCA2-Associated Hereditary Breast and Ovarian Cancer; Hereditary breast and/or ovarian cancer syndrome; Hereditary breast and ovarian cancer syndrome. Identifiers: Orphanet 145, MedGen C0677776, MeSH D061325, MONDO:0003582. Disease mechanism: loss of function.
Familial cancer of breast. Also called: hereditary breast carcinoma; BREAST CANCER, FAMILIAL; Hereditary breast cancer. Identifiers: Orphanet 227535, MedGen C0346153, MONDO:0016419, OMIM 114480. Disease mechanism: loss of function.
Ataxia-telangiectasia syndrome (AT). Also called: Cerebello-oculocutaneous telangiectasia; Immunodeficiency with ataxia telangiectasia; ATAXIA-TELANGIECTASIA, COMPLEMENTATION GROUP A; ATAXIA-TELANGIECTASIA, FRESNO VARIANT; Ataxia-telangiectasia; Ataxia-telangiectasia, complementation group E. Identifiers: Orphanet 100, MedGen C0004135, MONDO:0008840, OMIM 208900.

Submissions (12):

PreventionGenetics, part of Exact Sciences
Classification: Uncertain significance for ATM-related condition. Last evaluated: 2026-08-06. Review status: criteria provided, single submitter. Criteria: ACMG Guidelines, 2015. Collection method: clinical testing. Allele origin: germline.
Comment: The ATM c.1924_1926delGAA variant is predicted to result in an in-frame deletion (p.Glu642del). This variant was reported in individuals with a personal and/or family history of breast cancer (Supp. Table 3, de Oliveira et al. 2022. PubMed ID: 35534704; Table S3, van der Merwe et al. 2022. PubMed ID: 36568162). This variant is reported in 0.00088% of alleles in individuals of European (Non-Finnish) descent in gnomAD. This variant has conflicting interpretations in ClinVar ranging from uncertain to likely benign (Variation ID: 232133). At this time, the clinical significance of this variant is uncertain due to the absence of conclusive functional and genetic evidence.

Women's Health and Genetics/Laboratory Corporation of America, LabCorp
Classification: Uncertain significance. Last evaluated: 2025-07-14. Review status: criteria provided, single submitter. Criteria: LabCorp Variant Classification Summary - May 2015. Collection method: clinical testing. Allele origin: germline.
Comment: Variant summary: ATM c.1924_1926delGAA (p.Glu642del) results in an in-frame deletion that is predicted to remove one amino acid from the encoded protein. The variant allele was found at a frequency of 4e-06 in 250962 control chromosomes. The available data on variant occurrences in the general population are insufficient to allow any conclusion about variant significance. c.1924_1926delGAA has been observed in individuals affected with Breast Cancer (deOliveira_2022, vanderMerwe_2022). These report(s) do not provide unequivocal conclusions about association of the variant with Breast Cancer. To our knowledge, no experimental evidence demonstrating an impact on protein function has been reported. The following publications have been ascertained in the context of this evaluation (PMID: 35534704, 36568162). ClinVar contains an entry for this variant (Variation ID: 232133). Based on the evidence outlined above, the variant was classified as uncertain significance.

Labcorp Genetics (formerly Invitae), Labcorp
Classification: Uncertain significance for Ataxia-telangiectasia syndrome. Last evaluated: 2024-10-26. Review status: criteria provided, single submitter. Criteria: Invitae Variant Classification Sherloc (09022015). Collection method: clinical testing. Allele origin: germline.
Comment: This variant, c.1924_1926del, results in the deletion of 1 amino acid(s) of the ATM protein (p.Glu642del), but otherwise preserves the integrity of the reading frame. This variant is present in population databases (no rsID available, gnomAD 0.0009%). This variant has been observed in individual(s) with breast cancer (PMID: 35534704). ClinVar contains an entry for this variant (Variation ID: 232133). Experimental studies and prediction algorithms are not available or were not evaluated, and the functional significance of this variant is currently unknown. In summary, the available evidence is currently insufficient to determine the role of this variant in disease. Therefore, it has been classified as a Variant of Uncertain Significance.

Mendelics
Classification: Likely benign for Hereditary cancer-predisposing syndrome. Last evaluated: 2024-04-08. Review status: criteria provided, single submitter. Criteria: ACMG Guidelines, 2015. Collection method: clinical testing. Allele origin: unknown.

Baylor Genetics
Classification: Uncertain significance for Familial cancer of breast. Last evaluated: 2023-08-24. Review status: criteria provided, single submitter. Criteria: ACMG Guidelines, 2015. Collection method: clinical testing. Allele origin: unknown.

Ambry Genetics
Classification: Likely benign for Hereditary cancer-predisposing syndrome. Last evaluated: 2023-02-09. Review status: criteria provided, single submitter. Criteria: Ambry Variant Classification Scheme 2023. Collection method: clinical testing. Allele origin: germline.

Mayo Clinic Laboratories, Mayo Clinic
Classification: Uncertain significance. Last evaluated: 2022-12-28. Review status: criteria provided, single submitter. Criteria: ACMG Guidelines, 2015. Collection method: clinical testing. Allele origin: germline. Observed: 1 variant allele.
Comment: PM2

Color Diagnostics, LLC DBA Color Health
Classification: Uncertain significance for Hereditary cancer-predisposing syndrome. Last evaluated: 2022-08-22. Review status: criteria provided, single submitter. Criteria: ACMG Guidelines, 2015. Collection method: clinical testing. Allele origin: germline.
Comment: This variant causes an in-frame deletion of one amino acid at exon 13 of the ATM protein. To our knowledge, functional studies have not been reported for this variant. This variant has not been reported in individuals affected with hereditary cancer in the literature. This variant has been identified in 1/250962 chromosomes in the general population by the Genome Aggregation Database (gnomAD). The available evidence is insufficient to determine the role of this variant in disease conclusively. Therefore, this variant is classified as a Variant of Uncertain Significance.

GeneDx
Classification: Uncertain significance. Last evaluated: 2022-08-05. Review status: criteria provided, single submitter. Criteria: GeneDx Variant Classification Process June 2021. Collection method: clinical testing. Allele origin: germline. Affected: yes.
Comment: In-frame deletion of 1 amino acid in a non-repeat region; Not observed at significant frequency in large population cohorts (gnomAD); In silico analysis supports that this variant does not alter protein structure/function; Has not been previously published as pathogenic or benign to our knowledge

Laboratorio de Genetica e Diagnostico Molecular, Hospital Israelita Albert Einstein
Classification: Uncertain significance for Familial cancer of breast. Last evaluated: 2022-06-09. Review status: criteria provided, single submitter. Criteria: ACMG Guidelines, 2015. Collection method: clinical testing. Allele origin: germline. Affected: yes. Observed: 1 variant allele.
Comment: ACMG classification criteria: PM2 moderated

National Health Laboratory Service, Universitas Academic Hospital and University of the Free State
Classification: Uncertain significance for Hereditary breast ovarian cancer syndrome. Last evaluated: 2022-04-19. Review status: criteria provided, single submitter. Criteria: ACMG Guidelines, 2015. Collection method: clinical testing. Allele origin: germline. Affected: yes. Observed: 2 variant alleles.

Natera, Inc.
Classification: Uncertain significance for Ataxia-telangiectasia. Last evaluated: 2021-08-18. Review status: no assertion criteria provided. Collection method: clinical testing. Allele origin: germline. Not counted in ClinVar's aggregate classification.

Literature cited by the submitters: PubMed 36568162 (cited by Women's Health and Genetics/Laboratory Corporation of America, LabCorp); PubMed 35534704 (cited by Women's Health and Genetics/Laboratory Corporation of America, LabCorp and Labcorp Genetics (formerly Invitae), Labcorp).

NM_000051.4(ATM):c.1921GAA[1] (p.Glu642del)

Gene: ATM (ATM serine/threonine kinase; plus strand). Cytogenetic location: 11q22.3.
Variant type: Microsatellite.
Coding change: c.1921GAA[1] on transcript NM_000051.4 (MANE Select); one copy of the 3-base unit GAA starting at c.1921; the reference has two copies in a row; one copy, 3 bases deleted; also written c.1924_1926del.
Protein change: p.Glu642del; deletes glutamic acid 642.
Molecular consequence: inframe deletion.
Genome position (GRCh38, 1-based): chr11:108,253,839-108,253,841, GAA deleted; deleting any 3 consecutive bases within chr11:108,253,834-108,253,841 gives the same sequence; the position shown is the placement nearest the transcript's 3' end. VCF-style (leftmost placement, unchanged base first): chr11-108253833-AAAG-A. GRCh37 (hg19) VCF-style: chr11-108124560-AAAG-A.
Other names: NP_000042.3:p.Glu642del; p.Glu642del; c.1921GAA[1], p.Glu642del (NM_001351834.2); c.1924_1926delGAA (NM_000051.3, NM_000051.4); c.1924_1926del (NM_000051.4); short protein forms E642del.
Identifiers: ClinVar variation 232133 (VCV000232133.33), dbSNP rs876659575, ClinGen allele CA10579030.